The following is an entry in ClinVar:

NM_024529.5(CDC73):c.131+4A>T

Gene: CDC73 (cell division cycle 73; plus strand). Cytogenetic location: 1q31.2.
Variant type: single nucleotide variant.
Coding change: c.131+4A>T on transcript NM_024529.5 (MANE Select); 4 bases into the intron after coding-DNA position 131, A replaced by T.
Molecular consequence: intron variant.
Genome position (GRCh38, 1-based): chr1:193,122,335, A>T. VCF-style: chr1-193122335-A-T. GRCh37 (hg19) VCF-style: chr1-193091465-A-T.
Identifiers: ClinVar variation 2450569 (VCV002450569.3), dbSNP rs878855089, ClinGen allele CA2580061761.
Genomic context (GRCh38, chr1:193,122,335, plus strand): 5'-GATCTTCGGGGAGTTCTCCTGGCCCAAGAATGTGAAGACCAACTATGTTGTTTGGGGGTA[A>T]GTCCGGCATGGCTGTGGCCCAGGGGTGGCAGGGCAGAGTTGGGCGCCCCCAGGCGACCTC-3'

ClinVar aggregate classification (germline): Uncertain significance (1 of 4 stars; one submission).

Conditions:
Hereditary cancer-predisposing syndrome. Also called: Neoplastic Syndromes, Hereditary; Tumor predisposition; Hereditary neoplastic syndrome; Hereditary Cancer Syndrome. Identifiers: Orphanet 140162, MedGen C0027672, MeSH D009386, MONDO:0015356.

Submission:

Ambry Genetics
Classification: Uncertain significance for Hereditary cancer-predisposing syndrome. Last evaluated: 2025-04-11. Review status: criteria provided, single submitter. Criteria: Ambry Variant Classification Scheme 2023. Collection method: clinical testing. Allele origin: germline.
Comment: The c.131+4A>T intronic variant results from an A to T substitution 4 nucleotides after coding exon 1 in the CDC73 gene. This nucleotide position is not well conserved in available vertebrate species. In silico splice site analysis for this alteration is inconclusive and direct evidence is insufficient at this time (Ambry internal data). Since supporting evidence is limited at this time, the clinical significance of this alteration remains unclear.